The following is an entry in ClinVar:

ClinVar aggregate classification (germline): Benign/Likely benign. Review status: criteria provided, multiple submitters, no conflicts (2 of 4 stars). 3 submissions from 3 submitters: Benign (1); Likely benign (2). Last evaluated 2024-04-23.

Conditions:
Hereditary cancer-predisposing syndrome. Also called: Tumor predisposition; Hereditary Cancer Syndrome; Hereditary neoplastic syndrome; Neoplastic Syndromes, Hereditary. Identifiers: Orphanet 140162, MedGen C0027672, MeSH D009386, MONDO:0015356.
Familial cancer of breast. Also called: BREAST CANCER, FAMILIAL; hereditary breast carcinoma; Hereditary breast cancer. Identifiers: Orphanet 227535, MedGen C0346153, MONDO:0016419, OMIM 114480. Disease mechanism: loss of function.
Ataxia-telangiectasia syndrome (AT). Also called: LOUIS-BAR SYNDROME; Cerebello-oculocutaneous telangiectasia; Immunodeficiency with ataxia telangiectasia; ATAXIA-TELANGIECTASIA, COMPLEMENTATION GROUP A; ATAXIA-TELANGIECTASIA, FRESNO VARIANT; Ataxia-telangiectasia. Identifiers: Orphanet 100, MedGen C0004135, MONDO:0008840, OMIM 208900.

Submissions (3):

Myriad Genetics, Inc.
Classification: Benign for Familial cancer of breast. Last evaluated: 2024-04-23. Review status: criteria provided, single submitter. Criteria: Myriad Autosomal Dominant, Autosomal Recessive and X-Linked Classification Criteria (2023). Collection method: clinical testing. Allele origin: unknown.
Comment: This variant is considered benign. This variant is a silent/synonymous amino acid change and it is not expected to impact splicing.

Labcorp Genetics (formerly Invitae), Labcorp
Classification: Likely benign for Ataxia-telangiectasia syndrome. Last evaluated: 2020-12-01. Review status: criteria provided, single submitter. Criteria: Invitae Variant Classification Sherloc (09022015). Collection method: clinical testing. Allele origin: germline.

Ambry Genetics
Classification: Likely benign for Hereditary cancer-predisposing syndrome. Last evaluated: 2012-08-09. Review status: criteria provided, single submitter. Criteria: Ambry Autosomal Dominant and X-Linked criteria (10/2015). Collection method: clinical testing. Allele origin: germline. Observed: 1 variant allele.

NM_000051.4(ATM):c.771A>G (p.Glu257=)

Gene: ATM (ATM serine/threonine kinase; plus strand). Cytogenetic location: 11q22.3.
Variant type: single nucleotide variant.
Coding change: c.771A>G on transcript NM_000051.4 (MANE Select); coding-DNA position 771, A replaced by G.
Protein change: p.Glu257=; no amino-acid change (glutamic acid 257 retained).
Molecular consequence: synonymous variant.
Genome position (GRCh38, 1-based): chr11:108,244,896, A>G. VCF-style: chr11-108244896-A-G. GRCh37 (hg19) VCF-style: chr11-108115623-A-G.
Other names: c.771A>G, p.Glu257= (NM_001351834.2).
Identifiers: ClinVar variation 183768 (VCV000183768.12), dbSNP rs786201068, ClinGen allele CA186399.